The following is an entry in ClinVar:

NM_003491.4(NAA10):c.332T>G (p.Val111Gly)

Gene: NAA10 (N-alpha-acetyltransferase 10, NatA catalytic subunit; minus strand). Cytogenetic location: Xq28.
Variant type: single nucleotide variant.
Coding change: c.332T>G on transcript NM_003491.4 (MANE Select); coding-DNA position 332, T replaced by G.
Protein change: p.Val111Gly; replaces valine 111 with glycine.
Molecular consequence: missense variant.
Genome position (GRCh38, 1-based): chrX:153,932,325, A>C on the plus strand (T>G on the coding strand, the complement: NAA10 is on the minus strand). VCF-style: chrX-153932325-A-C. GRCh37 (hg19) VCF-style: chrX-153197778-A-C.
Other names: c.332T>G, p.Val111Gly (NM_001256119.2); c.314T>G, p.Val105Gly (NM_001256120.2); short protein forms V111G, V105G.
Identifiers: ClinVar variation 520542 (VCV000520542.3), dbSNP rs1557107528, ClinGen allele CA415158917.

ClinVar aggregate classification (germline): Pathogenic (0 of 4 stars; one submission).

Conditions:
Ogden syndrome (OGDNS). Also called: N-TERMINAL ACETYLTRANSFERASE DEFICIENCY. Identifiers: Orphanet 276432, MedGen C3275447, MONDO:0010457, OMIM 300855.

Submission:

Center for Medical Genetics and Molecular Medicine, Haukeland University Hospital
Classification: Pathogenic for Ogden syndrome. Last evaluated: 2018-02-16. Review status: no assertion criteria provided. Collection method: clinical testing. Allele origin: de novo. Inheritance: Sporadic. Affected: yes. Observed: 1 variant allele, 1 compound heterozygote.
Comment: De novo variant; functional studies have shown compromised NAA10 function: unchanged NAA10 stability but lack of N-acetyltransferase activity.

Literature cited by the submitters: PubMed 29558889.